The following is an entry in ClinVar:

ClinVar aggregate classification (germline): Uncertain significance (1 of 4 stars; one submission).

gnomAD v4.1: 1 of 1,613,592 alleles (0.000062%); highest among the groups gnomAD compares: Non-Finnish European, 0.000085%; no homozygotes.

Submission:

GeneDx
Classification: Uncertain significance. Last evaluated: 2024-05-25. Review status: criteria provided, single submitter. Criteria: GeneDx Variant Classification Process June 2021. Collection method: clinical testing. Allele origin: germline. Affected: yes.
Comment: Not observed at significant frequency in large population cohorts (gnomAD); In silico analysis supports that this missense variant has a deleterious effect on protein structure/function; Has not been previously published as pathogenic or benign to our knowledge

NM_018026.4(PACS1):c.539C>G (p.Pro180Arg)

Gene: PACS1 (phosphofurin acidic cluster sorting protein 1; plus strand). Cytogenetic location: 11q13.2.
Variant type: single nucleotide variant.
Coding change: c.539C>G on transcript NM_018026.4 (MANE Select); coding-DNA position 539, C replaced by G.
Protein change: p.Pro180Arg; replaces proline 180 with arginine.
Molecular consequence: missense variant.
Genome position (GRCh38, 1-based): chr11:66,211,138, C>G. VCF-style: chr11-66211138-C-G. GRCh37 (hg19) VCF-style: chr11-65978609-C-G.
Other names: short protein forms P180R.
Identifiers: ClinVar variation 3381732 (VCV003381732.1).
Genomic context (GRCh38, chr11:66,211,138, plus strand): 5'-CCCTCAAGGACCCAGCTGCCCATTAACCACGCTCGACTCTGTTTTGTATTTCGTAGTACC[C>G]TCATTTCCTTAAGCGAGATGCCAACAAGCTGCAGATCATGCTGCAAAGGAGAAAACGTTA-3'
Protein context (NP_060496.2, residues 170-190): ELQLTFSLQY[Pro180Arg]HFLKRDANKL